The following is an entry in ClinVar:

ClinVar aggregate classification (germline): Likely benign. Review status: criteria provided, multiple submitters, no conflicts (2 of 4 stars). 3 submissions from 3 submitters: Likely benign (3). Last evaluated 2019-07-11.

Conditions:
Charcot-Marie-Tooth disease type 4. Also called: Charcot-Marie-Tooth disease, type IV; Charcot-Marie-Tooth, Type 4. Identifiers: Orphanet 64749, MedGen C4082197, MONDO:0018995.
Inborn genetic diseases. Identifiers: MedGen C0950123, MeSH D030342.

Allele frequency attached by ClinVar (database versions not stated): gnomAD exomes below 0.00001; TOPMed below 0.00001; ExAC 0.00001.

Submissions (3):

Ambry Genetics
Classification: Likely benign for Inborn genetic diseases. Last evaluated: 2019-07-11. Review status: criteria provided, single submitter. Criteria: Ambry Variant Classification Scheme 2023. Collection method: clinical testing. Allele origin: germline.

Labcorp Genetics (formerly Invitae), Labcorp
Classification: Likely benign for Charcot-Marie-Tooth disease type 4. Last evaluated: 2017-06-27. Review status: criteria provided, single submitter. Criteria: Invitae Variant Classification Sherloc (09022015). Collection method: clinical testing. Allele origin: germline.

GeneDx
Classification: Likely benign. Last evaluated: 2017-02-09. Review status: criteria provided, single submitter. Criteria: GeneDx Variant Classification (06012015). Collection method: clinical testing. Allele origin: germline. Affected: yes.
Comment: This variant is considered likely benign or benign based on one or more of the following criteria: it is a conservative change, it occurs at a poorly conserved position in the protein, it is predicted to be benign by multiple in silico algorithms, and/or has population frequency not consistent with disease.

NM_030962.4(SBF2):c.1491T>C (p.Asn497=)

Gene: SBF2 (SET binding factor 2; minus strand). Cytogenetic location: 11p15.4.
Variant type: single nucleotide variant.
Coding change: c.1491T>C on transcript NM_030962.4 (MANE Select); coding-DNA position 1491, T replaced by C.
Protein change: p.Asn497=; no amino-acid change (asparagine 497 retained).
Molecular consequence: synonymous variant.
Genome position (GRCh38, 1-based): chr11:9,968,450, A>G on the plus strand (T>C on the coding strand, the complement: SBF2 is on the minus strand). VCF-style: chr11-9968450-A-G. GRCh37 (hg19) VCF-style: chr11-9989997-A-G.
Other names: c.1491T>C, p.Asn497= (NM_001386339.1); c.1362T>C, p.Asn454= (NM_001386342.1).
Identifiers: ClinVar variation 476914 (VCV000476914.11), dbSNP rs767806871, ClinGen allele CA5881814.
Genomic context (GRCh38, chr11:9,968,450, plus strand): 5'-AGGAGGTGCATTCTGGTTCTTAGCAACATTTTCCTGTATTAATTCCTGAACCCGGGCTTC[A>G]TTAATCTCTGGGAAAGGAAGAATATGAACTCGCAAATGGGATCCTTCTGTTGGCCGTGGA-3'
Protein context (NP_112224.1, residues 487-507): RVHILPFPEI[Asn497=]EARVQELIQE